The following is an entry in ClinVar:

ClinVar aggregate classification (germline): Uncertain significance (1 of 4 stars; one submission).

Conditions:
Inborn genetic diseases. Identifiers: MedGen C0950123, MeSH D030342.

Submission:

Ambry Genetics
Classification: Uncertain significance for Inborn genetic diseases. Last evaluated: 2025-06-12. Review status: criteria provided, single submitter. Criteria: Ambry Variant Classification Scheme 2023. Collection method: clinical testing. Allele origin: germline.
Comment: The p.C764Y variant (also known as c.2291G>A), located in coding exon 1 of the SAMD9L gene, results from a G to A substitution at nucleotide position 2291. The cysteine at codon 764 is replaced by tyrosine, an amino acid with highly dissimilar properties. This amino acid position is conserved. In addition, this alteration is predicted to be deleterious by in silico analysis. Based on the available evidence, the clinical significance of this variant remains unclear.

NM_152703.5(SAMD9L):c.2291G>A (p.Cys764Tyr)

Gene: SAMD9L (sterile alpha motif domain containing 9 like; minus strand). Cytogenetic location: 7q21.2.
Variant type: single nucleotide variant.
Coding change: c.2291G>A on transcript NM_152703.5 (MANE Select); coding-DNA position 2291, G replaced by A.
Protein change: p.Cys764Tyr; replaces cysteine 764 with tyrosine.
Molecular consequence: missense variant.
Genome position (GRCh38, 1-based): chr7:93,133,681, C>T on the plus strand (G>A on the coding strand, the complement: SAMD9L is on the minus strand). VCF-style: chr7-93133681-C-T. GRCh37 (hg19) VCF-style: chr7-92762994-C-T.
Other names: c.2291G>A, p.Cys764Tyr (NM_001303496.3, NM_001303497.3, NM_001303498.3 and 5 more transcripts); short protein forms C764Y.
Identifiers: ClinVar variation 3950014 (VCV003950014.1).